The following is an entry in ClinVar:

ClinVar aggregate classification (germline): Uncertain significance (1 of 4 stars; one submission).

gnomAD v4.1: 11 of 1,614,066 alleles (0.00068%); highest among the groups gnomAD compares: East Asian, 0.0022%; no homozygotes.

Submission:

Labcorp Genetics (formerly Invitae), Labcorp
Classification: Uncertain significance. Last evaluated: 2025-04-23. Review status: criteria provided, single submitter. Criteria: Invitae Variant Classification Sherloc (09022015). Collection method: clinical testing. Allele origin: germline.
Comment: This sequence change replaces lysine, which is basic and polar, with arginine, which is basic and polar, at codon 794 of the NEFH protein (p.Lys794Arg). This variant is present in population databases (rs557576141, gnomAD 0.006%). This variant has not been reported in the literature in individuals affected with NEFH-related conditions. Invitae Evidence Modeling of protein sequence and biophysical properties (such as structural, functional, and spatial information, amino acid conservation, physicochemical variation, residue mobility, and thermodynamic stability) indicates that this missense variant is not expected to disrupt NEFH protein function with a negative predictive value of 95%. In summary, the available evidence is currently insufficient to determine the role of this variant in disease. Therefore, it has been classified as a Variant of Uncertain Significance.

NM_021076.4(NEFH):c.2381A>G (p.Lys794Arg)

Gene: NEFH (neurofilament heavy chain; plus strand). Cytogenetic location: 22q12.2.
Variant type: single nucleotide variant.
Coding change: c.2381A>G on transcript NM_021076.4 (MANE Select); coding-DNA position 2381, A replaced by G.
Protein change: p.Lys794Arg; replaces lysine 794 with arginine.
Molecular consequence: missense variant.
Genome position (GRCh38, 1-based): chr22:29,490,021, A>G. VCF-style: chr22-29490021-A-G. GRCh37 (hg19) VCF-style: chr22-29886010-A-G.
Other names: short protein forms K794R.
Identifiers: ClinVar variation 4703951 (VCV004703951.1).
Genomic context (GRCh38, chr22:29,490,021, plus strand): 5'-CAAGGTCCCCTGCAGACAAATTCCCTGAAAAGGCCAAAAGCCCTGTCAAGGAGGAGGTCA[A>G]GTCCCCAGAGAAGGCGAAATCTCCCCTGAAGGAGGATGCCAAGGCCCCTGAGAAGGAGAT-3'
Protein context (NP_066554.2, residues 784-804): KAKSPVKEEV[Lys794Arg]SPEKAKSPLK